The following is an entry in ClinVar:

NM_000057.4(BLM):c.2278A>G (p.Ile760Val)

Gene: BLM (BLM RecQ like helicase; plus strand). Cytogenetic location: 15q26.1.
Variant type: single nucleotide variant.
Coding change: c.2278A>G on transcript NM_000057.4 (MANE Select); coding-DNA position 2278, A replaced by G.
Protein change: p.Ile760Val; replaces isoleucine 760 with valine.
Molecular consequence: missense variant.
Genome position (GRCh38, 1-based): chr15:90,766,994, A>G. VCF-style: chr15-90766994-A-G. GRCh37 (hg19) VCF-style: chr15-91310224-A-G.
Other names: c.2278A>G, p.Ile760Val (NM_001287246.2, NM_001287247.2); c.1153A>G, p.Ile385Val (NM_001287248.2); short protein forms I385V, I760V.
Identifiers: ClinVar variation 1002491 (VCV001002491.12), dbSNP rs1896150112, ClinGen allele CA393844945.

ClinVar aggregate classification (germline): Uncertain significance. Review status: criteria provided, single submitter (1 of 4 stars). 2 submissions from 2 submitters: Uncertain significance (1). 1 of the submissions does not count toward it. Last evaluated 2022-04-25.

Conditions:
Bloom syndrome (BLM). Also called: Bloom-Torre-Machacek syndrome. Identifiers: Orphanet 125, MedGen C0005859, MONDO:0008876, OMIM 210900.

Allele frequency attached by ClinVar (database versions not stated): gnomAD exomes below 0.00001.

Submissions (2):

Labcorp Genetics (formerly Invitae), Labcorp
Classification: Uncertain significance for Bloom syndrome. Last evaluated: 2022-04-25. Review status: criteria provided, single submitter. Criteria: Invitae Variant Classification Sherloc (09022015). Collection method: clinical testing. Allele origin: germline.
Comment: This variant is not present in population databases (gnomAD no frequency). In summary, the available evidence is currently insufficient to determine the role of this variant in disease. Therefore, it has been classified as a Variant of Uncertain Significance. Algorithms developed to predict the effect of missense changes on protein structure and function output the following: SIFT: "Tolerated"; PolyPhen-2: "Benign"; Align-GVGD: "Class C0". The valine amino acid residue is found in multiple mammalian species, which suggests that this missense change does not adversely affect protein function. ClinVar contains an entry for this variant (Variation ID: 1002491). This variant has not been reported in the literature in individuals affected with BLM-related conditions. This sequence change replaces isoleucine, which is neutral and non-polar, with valine, which is neutral and non-polar, at codon 760 of the BLM protein (p.Ile760Val).

Natera, Inc.
Classification: Uncertain significance for Bloom syndrome. Last evaluated: 2020-04-21. Review status: no assertion criteria provided. Collection method: clinical testing. Allele origin: germline. Not counted in ClinVar's aggregate classification.